The following is an entry in ClinVar:

ClinVar aggregate classification (germline): Uncertain significance (1 of 4 stars; one submission).

Conditions:
Gorlin syndrome. Also called: Nevoid Basal Cell Carcinoma Syndrome; Basal cell nevus syndrome. Identifiers: Orphanet 377, MedGen C0004779, MONDO:0007187.

Submission:

Labcorp Genetics (formerly Invitae), Labcorp
Classification: Uncertain significance for Gorlin syndrome. Last evaluated: 2022-08-08. Review status: criteria provided, single submitter. Criteria: Invitae Variant Classification Sherloc (09022015). Collection method: clinical testing. Allele origin: germline.
Comment: This variant is not present in population databases (gnomAD no frequency). This sequence change replaces cysteine, which is neutral and slightly polar, with tyrosine, which is neutral and polar, at codon 1038 of the PTCH1 protein (p.Cys1038Tyr). This variant has not been reported in the literature in individuals affected with PTCH1-related conditions. Algorithms developed to predict the effect of missense changes on protein structure and function are either unavailable or do not agree on the potential impact of this missense change (SIFT: "Deleterious"; PolyPhen-2: "Probably Damaging"; Align-GVGD: "Class C0"). In summary, the available evidence is currently insufficient to determine the role of this variant in disease. Therefore, it has been classified as a Variant of Uncertain Significance.

NM_000264.5(PTCH1):c.3113G>A (p.Cys1038Tyr)

Gene: PTCH1 (patched 1; minus strand). Cytogenetic location: 9q22.32.
Variant type: single nucleotide variant.
Coding change: c.3113G>A on transcript NM_000264.5 (MANE Select); coding-DNA position 3113, G replaced by A.
Protein change: p.Cys1038Tyr; replaces cysteine 1038 with tyrosine.
Molecular consequence: missense variant. On other transcripts: non-coding transcript variant (1).
Genome position (GRCh38, 1-based): chr9:95,458,068, C>T on the plus strand (G>A on the coding strand, the complement: PTCH1 is on the minus strand). VCF-style: chr9-95458068-C-T. GRCh37 (hg19) VCF-style: chr9-98220350-C-T.
Other names: c.2915G>A, p.Cys972Tyr (NM_001083602.3); c.3110G>A, p.Cys1037Tyr (NM_001083603.3); c.2660G>A, p.Cys887Tyr (NM_001083604.3, NM_001083605.3, NM_001083606.3 and 1 more transcripts); c.2957G>A, p.Cys986Tyr (NM_001354918.2); short protein forms C1037Y, C1038Y, C887Y, C972Y, C986Y.
Identifiers: ClinVar variation 1715654 (VCV001715654.6), dbSNP rs2136660217, ClinGen allele CA374112364.